The following is an entry in ClinVar:

ClinVar aggregate classification (germline): Uncertain significance (1 of 4 stars; one submission).

Conditions:
Factor H deficiency (CFHD). Also called: CFH DEFICIENCY; COMPLEMENT FACTOR H DEFICIENCY. Identifiers: Orphanet 200421, MedGen C0398777, MONDO:0012350, OMIM 609814.

Submission:

3billion
Classification: Uncertain significance for Factor H deficiency. Last evaluated: 2022-09-01. Review status: criteria provided, single submitter. Criteria: ACMG Guidelines, 2015. Collection method: clinical testing. Allele origin: germline. Affected: yes. Observed: 1 homozygote.
Comment: The variant is not observed in the gnomAD v2.1.1 dataset. In silico tool predictions suggest no damaging effect of the variant on gene or gene product (REVEL: 0.20; 3Cnet: 0.24). Therefore, this variant is classified as uncertain significance according to the recommendation of ACMG/AMP guideline.

NM_000186.4(CFH):c.1031A>G (p.Tyr344Cys)

Gene: CFH (complement factor H; plus strand). Cytogenetic location: 1q31.3.
Variant type: single nucleotide variant.
Coding change: c.1031A>G on transcript NM_000186.4 (MANE Select); coding-DNA position 1031, A replaced by G.
Protein change: p.Tyr344Cys; replaces tyrosine 344 with cysteine.
Molecular consequence: missense variant.
Genome position (GRCh38, 1-based): chr1:196,689,486, A>G. VCF-style: chr1-196689486-A-G. GRCh37 (hg19) VCF-style: chr1-196658616-A-G.
Other names: c.1031A>G, p.Tyr344Cys (NM_001014975.3); short protein forms Y344C.
Identifiers: ClinVar variation 1705412 (VCV001705412.1), dbSNP rs2529386133, ClinGen allele CA343979762.